The following is an entry in ClinVar:

ClinVar aggregate classification (germline): Likely pathogenic (1 of 4 stars; one submission).

Conditions:
Anemia, nonspherocytic hemolytic, due to G6PD deficiency (CNSHA1). Also called: Hemolytic anemia due to G6PD deficiency; Favism, susceptibility to; Class I glucose-6-phosphate dehydrogenase deficiency; ANEMIA, CONGENITAL, NONSPHEROCYTIC HEMOLYTIC, 1. Identifiers: Orphanet 466026, MedGen C2720289, MONDO:0010480, OMIM 300908.

Submission:

Dunham Lab, University of Washington
Classification: Likely pathogenic for Anemia, nonspherocytic hemolytic, due to G6PD deficiency. Last evaluated: 2022-08-12. Review status: criteria provided, single submitter. Criteria: Bayesian ACMG Guidelines, 2018. Collection method: curation. Allele origin: unknown. Affected: yes.
Comment: Decreased activity in red blood cells (0.2%) and no detectable activity when expressed in E. coli (PS3). Alters dimerization domain (PM1). 1159C>T not found in gnomAD (PM2). Post_P 0.988 (odds of pathogenicity 729.3, Prior_P 0.1).

Literature cited by the submitters: PubMed 9452072; PubMed 32387609; PubMed 31294066.

NM_001360016.2(G6PD):c.[1159C>T;376A>G]

Variant type: Haplotype.
Identifiers: ClinVar variation 1722617 (VCV001722617.2).